The following is an entry in ClinVar:

ClinVar aggregate classification (germline): Uncertain significance (1 of 4 stars; one submission).

Allele frequency attached by ClinVar (database versions not stated): gnomAD 0.00015; TOPMed 0.00035; ExAC 0.00001; gnomAD exomes 0.00001.

Submission:

Ambry Genetics
Classification: Uncertain significance. Last evaluated: 2026-02-17. Review status: criteria provided, single submitter. Criteria: Ambry Variant Classification Scheme 2023. Collection method: clinical testing. Allele origin: germline.
Comment: The c.997G>A (p.E333K) alteration is located in exon 8 (coding exon 7) of the CCPG1 gene. This alteration results from a G to A substitution at nucleotide position 997, causing the glutamic acid (E) at amino acid position 333 to be replaced by a lysine (K). Based on data from gnomAD, the A allele has an overall frequency of 0.002% (5/247700) total alleles studied. The highest observed frequency was 0.011% (2/17902) of East Asian alleles. Based on insufficient or conflicting evidence, the clinical significance of this alteration remains unclear.

NM_001204450.2(CCPG1):c.997G>A (p.Glu333Lys)

Genes: CCPG1 (cell cycle progression 1; minus strand), DNAAF4-CCPG1 (DNAAF4-CCPG1 readthrough (NMD candidate); minus strand). Cytogenetic location: 15q21.3.
Variant type: single nucleotide variant.
Coding change: c.997G>A on transcript NM_001204450.2 (MANE Select); coding-DNA position 997, G replaced by A.
Protein change: p.Glu333Lys; replaces glutamic acid 333 with lysine.
Molecular consequence: missense variant. On other transcripts: non-coding transcript variant (1), intron variant (1).
Genome position (GRCh38, 1-based): chr15:55,360,776, C>T on the plus strand (G>A on the coding strand, the complement: CCPG1 is on the minus strand). VCF-style: chr15-55360776-C-T. GRCh37 (hg19) VCF-style: chr15-55652974-C-T.
Other names: c.997G>A, p.Glu333Lys (NM_004748.6, NM_020739.5); c.933+64G>A (NM_001204451.2); short protein forms E333K.
Identifiers: ClinVar variation 3140060 (VCV003140060.2), dbSNP rs746705163, ClinGen allele CA7574348.